The following is an entry in ClinVar:

ClinVar aggregate classification (germline): Uncertain significance (1 of 4 stars; one submission).

Submission:

Women's Health and Genetics/Laboratory Corporation of America, LabCorp
Classification: Uncertain significance. Last evaluated: 2026-03-17. Review status: criteria provided, single submitter. Criteria: LabCorp Variant Classification Summary - May 2015. Collection method: clinical testing. Allele origin: germline.
Comment: Variant summary: TNXB c.4449_4457delAGATGTGAC (p.Asp1484_Thr1486del) results in an in-frame deletion that is predicted to remove three amino acids from the encoded protein. The frequency data for this variant in gnomAD is considered unreliable, as metrics indicate poor data quality at this position. To our knowledge, no occurrence of c.4449_4457delAGATGTGAC in individuals affected with TNXB-related conditions and no experimental evidence demonstrating its impact on protein function have been reported. No submitters have cited clinical-significance assessments for this variant to ClinVar. Based on the evidence outlined above, the variant was classified as uncertain significance.

NM_001365276.2(TNXB):c.4449_4457del (p.Asp1484_Thr1486del)

Gene: TNXB (tenascin XB; minus strand). Cytogenetic location: 6p21.33.
Variant type: Deletion.
Coding change: c.4449_4457del on transcript NM_001365276.2 (MANE Select); coding-DNA positions 4449 to 4457, 9 bases deleted (AGATGTGAC; older notation c.4449_4457delAGATGTGAC).
Protein change: p.Asp1484_Thr1486del.
Genome position (GRCh38, 1-based): chr6:32,073,871-32,073,879, GTCACATCT deleted on the plus strand (AGATGTGAC on the coding strand, the reverse complement: TNXB is on the minus strand); deleting any 9 consecutive bases within chr6:32,073,871-32,073,884 gives the same sequence; the c. name uses the placement nearest the transcript's 3' end. VCF-style (leftmost placement, unchanged base first): chr6-32073870-GGTCACATCT-G. GRCh37 (hg19) VCF-style: chr6-32041647-GGTCACATCT-G.
Other names: c.5190_5198del, p.Asp1731_Thr1733del (NM_001428335.1); c.4449_4457del, p.Asp1484_Thr1486del (NM_019105.8); c.4449_4457delAGATGTGAC (NM_019105.8).
Identifiers: ClinVar variation 4847164 (VCV004847164.1).